The following is an entry in ClinVar:

NM_001377458.1(CLCC1):c.1600G>A (p.Ala534Thr)

Gene: CLCC1 (chloride channel CLIC like 1; minus strand). Cytogenetic location: 1p13.3.
Variant type: single nucleotide variant.
Coding change: c.1600G>A on transcript NM_001377458.1 (MANE Select); coding-DNA position 1600, G replaced by A.
Protein change: p.Ala534Thr; replaces alanine 534 with threonine.
Molecular consequence: missense variant. On other transcripts: non-coding transcript variant (1).
Genome position (GRCh38, 1-based): chr1:108,934,726, C>T on the plus strand (G>A on the coding strand, the complement: CLCC1 is on the minus strand). VCF-style: chr1-108934726-C-T. GRCh37 (hg19) VCF-style: chr1-109477348-C-T.
Other names: c.1600G>A, p.Ala534Thr (NM_001048210.3, NM_001377459.1, NM_001377460.1 and 8 more transcripts); c.1237G>A, p.Ala413Thr (NM_001278202.2); c.1045G>A, p.Ala349Thr (NM_001278203.1); c.1498G>A, p.Ala500Thr (NM_001377469.1); c.1309G>A, p.Ala437Thr (NM_001377470.1); c.1450G>A, p.Ala484Thr (NM_015127.5); short protein forms A484T, A349T, A413T, A500T, A534T, A437T.
Identifiers: ClinVar variation 845469 (VCV000845469.6), dbSNP rs148212619, ClinGen allele CA983290.
Genomic context (GRCh38, chr1:108,934,726, plus strand): 5'-TCCTCTAGCCACAGGGGCTGCTGACCGGATCCTGTCCACGTGGTCCAGCCACACCTCTTG[C>T]GGGGCTGTATGTGCTGCCTTGGTCTGGGCTGCCTGCGGCTTCAGACTTGAGCTGGGCCTT-3'
Protein context (NP_001364387.1, residues 524-544): SPDQGSTYSP[Ala534Thr]RGVAGPRGQD

ClinVar aggregate classification (germline): Uncertain significance (1 of 4 stars; one submission).

Conditions:
Retinitis pigmentosa 32 (RP32). Identifiers: Orphanet 791, MedGen C1835927, MONDO:0012363, OMIM 609913.

Allele frequency attached by ClinVar (database versions not stated): gnomAD 0.00078 and 0.00081; TOPMed 0.00085; ESP Exome Variant Server 0.00108.
gnomAD v4.1: 2,522 of 1,614,100 alleles (0.16%); highest among the groups gnomAD compares: Non-Finnish European, 0.2%; 5 homozygotes.

Submission:

Labcorp Genetics (formerly Invitae), Labcorp
Classification: Uncertain significance. Last evaluated: 2022-10-17. Review status: criteria provided, single submitter. Criteria: Invitae Variant Classification Sherloc (09022015). Collection method: clinical testing. Allele origin: germline.
Comment: This sequence change replaces alanine, which is neutral and non-polar, with threonine, which is neutral and polar, at codon 534 of the CLCC1 protein (p.Ala534Thr). This variant is present in population databases (rs148212619, gnomAD 0.1%), and has an allele count higher than expected for a pathogenic variant. This variant has not been reported in the literature in individuals affected with CLCC1-related conditions. ClinVar contains an entry for this variant (Variation ID: 845469). Algorithms developed to predict the effect of missense changes on protein structure and function output the following: SIFT: "Tolerated"; PolyPhen-2: "Benign"; Align-GVGD: "Class C0". The threonine amino acid residue is found in multiple mammalian species, which suggests that this missense change does not adversely affect protein function. In summary, the available evidence is currently insufficient to determine the role of this variant in disease. Therefore, it has been classified as a Variant of Uncertain Significance.